The following is an entry in ClinVar:

ClinVar aggregate classification (germline): Uncertain significance (1 of 4 stars; one submission).

Conditions:
Genitopatellar syndrome (GTPTS). Also called: ABSENT PATELLAE, SCROTAL HYPOPLASIA, RENAL ANOMALIES, FACIAL DYSMORPHISM, AND MENTAL RETARDATION; Genitopatellar syndrome (GPS). Identifiers: Orphanet 85201, MedGen C1853566, MONDO:0011640, OMIM 606170.

gnomAD v4.1: 8 of 1,611,306 alleles (0.0005%); highest among the groups gnomAD compares: Non-Finnish European, 0.00068%; no homozygotes.

Submission:

Labcorp Genetics (formerly Invitae), Labcorp
Classification: Uncertain significance for Genitopatellar syndrome. Last evaluated: 2024-04-10. Review status: criteria provided, single submitter. Criteria: Invitae Variant Classification Sherloc (09022015). Collection method: clinical testing. Allele origin: germline.
Comment: This sequence change replaces proline, which is neutral and non-polar, with leucine, which is neutral and non-polar, at codon 303 of the KAT6B protein (p.Pro303Leu). This variant is not present in population databases (gnomAD no frequency). This variant has not been reported in the literature in individuals affected with KAT6B-related conditions. Advanced modeling of protein sequence and biophysical properties (such as structural, functional, and spatial information, amino acid conservation, physicochemical variation, residue mobility, and thermodynamic stability) performed at Invitae indicates that this missense variant is not expected to disrupt KAT6B protein function with a negative predictive value of 80%. In summary, the available evidence is currently insufficient to determine the role of this variant in disease. Therefore, it has been classified as a Variant of Uncertain Significance.

NM_012330.4(KAT6B):c.908C>T (p.Pro303Leu)

Gene: KAT6B (lysine acetyltransferase 6B; plus strand). Cytogenetic location: 10q22.2.
Variant type: single nucleotide variant.
Coding change: c.908C>T on transcript NM_012330.4 (MANE Select); coding-DNA position 908, C replaced by T.
Protein change: p.Pro303Leu; replaces proline 303 with leucine.
Molecular consequence: missense variant. On other transcripts: intron variant (3).
Genome position (GRCh38, 1-based): chr10:74,970,081, C>T. VCF-style: chr10-74970081-C-T. GRCh37 (hg19) VCF-style: chr10-76729839-C-T.
Other names: c.846+306C>T (NM_001370133.1); c.193-9143C>T (NM_001370134.1); c.192+10003C>T (NM_001370135.1); c.908C>T, p.Pro303Leu (NM_001256468.2, NM_001256469.2, NM_001370132.1 and 9 more transcripts); short protein forms P303L.
Identifiers: ClinVar variation 3695529 (VCV003695529.2).